The following is an entry in ClinVar:

NM_181882.3(PRX):c.1102C>T (p.Arg368Ter)

Gene: PRX (periaxin; minus strand). Cytogenetic location: 19q13.2.
Variant type: single nucleotide variant.
Coding change: c.1102C>T on transcript NM_181882.3 (MANE Select); coding-DNA position 1102, C replaced by T.
Protein change: p.Arg368Ter; replaces arginine 368 with a stop codon.
Molecular consequence: nonsense. On other transcripts: 3 prime UTR variant (1).
Genome position (GRCh38, 1-based): chr19:40,397,250, G>A on the plus strand (C>T on the coding strand, the complement: PRX is on the minus strand). VCF-style: chr19-40397250-G-A. GRCh37 (hg19) VCF-style: chr19-40903157-G-A.
Other names: p.Arg368*; c.*1307C>T (NM_020956.2); short protein forms R368*.
Identifiers: ClinVar variation 4789 (VCV000004789.37), dbSNP rs104894715, ClinGen allele CA117079.

ClinVar aggregate classification (germline): Pathogenic/Likely pathogenic. Review status: criteria provided, multiple submitters, no conflicts (2 of 4 stars). 8 submissions from 8 submitters: Pathogenic (4); Likely pathogenic (2). 2 of the submissions do not count toward it. Last evaluated 2025-09-03.

Conditions:
Inborn genetic diseases. Identifiers: MedGen C0950123, MeSH D030342.
Charcot-Marie-Tooth disease type 4. Also called: Charcot-Marie-Tooth disease, type IV; Charcot-Marie-Tooth, Type 4. Identifiers: Orphanet 64749, MedGen C4082197, MONDO:0018995.
Autosomal recessive Dejerine-Sottas syndrome. Also called: Autosomal recessive Dejerine-sottas neuropathy. Identifiers: MedGen CN069172.
Charcot-Marie-Tooth disease type 4F. Also called: Charcot-Marie-Tooth disease, demyelinating, type 4F. Identifiers: Orphanet 99952, MedGen C3540453, MONDO:0013959, OMIM 614895.
Peripheral neuropathy. Also called: Neuropathy. Identifiers: MedGen C0031117, MONDO:0005244, HP:0009830.

Allele frequency attached by ClinVar (database versions not stated): gnomAD 0.00001 and 0.00002; TOPMed 0.00002; 1000 Genomes Project 0.00020; 1000 Genomes Project 30x 0.00031.

Submissions (8):

Labcorp Genetics (formerly Invitae), Labcorp
Classification: Pathogenic for Charcot-Marie-Tooth disease type 4. Last evaluated: 2025-09-03. Review status: criteria provided, single submitter. Criteria: Invitae Variant Classification Sherloc (09022015). Collection method: clinical testing. Allele origin: germline.
Comment: This sequence change creates a premature translational stop signal (p.Arg368*) in the PRX gene. While this is not anticipated to result in nonsense mediated decay, it is expected to disrupt the last 1094 amino acid(s) of the PRX protein. This variant is not present in population databases (gnomAD no frequency). This premature translational stop signal has been observed in individual(s) with Dejerine-Sottas syndrome (PMID: 11133365). ClinVar contains an entry for this variant (Variation ID: 4789). This variant disrupts a region of the PRX protein in which other variant(s) (p.Arg1070*) have been determined to be pathogenic (PMID: 15197604, 16770524, 22847150, 26059842). This suggests that this is a clinically significant region of the protein, and that variants that disrupt it are likely to be disease-causing. For these reasons, this variant has been classified as Pathogenic.

Mayo Clinic Laboratories, Mayo Clinic
Classification: Pathogenic. Last evaluated: 2022-09-13. Review status: criteria provided, single submitter. Criteria: ACMG Guidelines, 2015. Collection method: clinical testing. Allele origin: germline. Observed: 1 variant allele.
Comment: PM2, PM3, PS4_moderate, PVS1_strong

Kariminejad - Najmabadi Pathology & Genetics Center
Classification: Likely pathogenic for Peripheral neuropathy. Last evaluated: 2021-07-10. Review status: criteria provided, single submitter. Criteria: ACMG Guidelines, 2015. Collection method: clinical testing. Allele origin: germline. Affected: yes.

CMT Laboratory, Bogazici University
Classification: Pathogenic for Charcot-Marie-Tooth disease type 4F. Last evaluated: 2020-12-01. Review status: criteria provided, single submitter. Criteria: ACMG Guidelines, 2015. Collection method: clinical testing. Allele origin: germline. Affected: yes. Observed: 1 variant allele.

Ambry Genetics
Classification: Likely pathogenic for Inborn genetic diseases. Last evaluated: 2020-05-21. Review status: criteria provided, single submitter. Criteria: Ambry Variant Classification Scheme 2023. Collection method: clinical testing. Allele origin: germline.
Comment: The p.R368* variant (also known as c.1102C>T), located in coding exon 4 of the PRX gene, results from a C to T substitution at nucleotide position 1102. This changes the amino acid from an arginine to a stop codon within coding exon 4. Premature stop codons are typically deleterious in nature; however, this stop codon occurs at the 3' terminus of PRX, is not expected to trigger nonsense-mediated mRNA decay, and impacts the last 1,094 amino acids of the protein, which accounts for approximately 75% of the protein including the acidic domain. Additional truncating alterations downstream of this alteration have been reported in the literature as disease-causing. This alteration has been reported in trans with another PRX variant in a patient with Dejerine-Sottas syndrome (Boerkoel CF et al. Am. J. Hum. Genet., 2001 Feb;68:325-33). This allele was reported in one heterozygous individual in population-based cohorts in the Genome Aggregation Database (gnomAD). Based on the majority of available evidence to date, this variant is likely to be pathogenic.

GeneDx
Classification: Pathogenic. Last evaluated: 2018-10-11. Review status: criteria provided, single submitter. Criteria: GeneDx Variant Classification (06012015). Collection method: clinical testing. Allele origin: germline. Affected: yes.
Comment: The R368X nonsense variant in the PRX gene has been reported previously in an individual with Dejerine-Sottas neuropathy who had a second variant identified on the opposite PRX allele (in trans) (Boerkoel et al., 2001). This pathogenic variant is predicted to cause loss of normal protein function through protein truncation as the last 1094 amino acids of the protein are lost. The R368X variant is not observed in large population cohorts (Lek et al., 2016).

Genesis Genome Database
Classification: Uncertain significance for Charcot-Marie-Tooth disease type 4. Last evaluated: 2019-08-14. Review status: no assertion criteria provided. Collection method: research. Allele origin: germline. Affected: yes. Not counted in ClinVar's aggregate classification.

OMIM
Classification: Pathogenic for DEJERINE-SOTTAS NEUROPATHY, AUTOSOMAL RECESSIVE. Last evaluated: 2001-02-01. Review status: no assertion criteria provided. Collection method: literature only. Allele origin: germline. Not counted in ClinVar's aggregate classification.

Literature cited by the submitters: PubMed 11133365 (cited by 4 submitters); PubMed 15197604 (cited by Labcorp Genetics (formerly Invitae), Labcorp); PubMed 16770524 (cited by Labcorp Genetics (formerly Invitae), Labcorp); PubMed 22847150 (cited by Labcorp Genetics (formerly Invitae), Labcorp); PubMed 26059842 (cited by Labcorp Genetics (formerly Invitae), Labcorp); PubMed 34476298 (cited by Mayo Clinic Laboratories, Mayo Clinic); PubMed 31673878 (cited by CMT Laboratory, Bogazici University).